The following is an entry in ClinVar:

ClinVar aggregate classification (germline): Uncertain significance. Review status: criteria provided, multiple submitters, no conflicts (2 of 4 stars). 3 submissions from 3 submitters: Uncertain significance (3). Last evaluated 2025-09-13.

Conditions:
Cardiovascular phenotype. Identifiers: MedGen CN230736.
RASopathy. Also called: rasopathies; Noonan spectrum disorder. Identifiers: Orphanet 536391, MedGen C5555857, MONDO:0021060.

Allele frequency attached by ClinVar (database versions not stated): gnomAD exomes below 0.00001; TOPMed below 0.00001.
gnomAD v4.1: 3 of 1,611,276 alleles (0.00019%); highest among the groups gnomAD compares: Admixed American, 0.0017%; no homozygotes.

Submissions (3):

Labcorp Genetics (formerly Invitae), Labcorp
Classification: Uncertain significance for RASopathy. Last evaluated: 2025-09-13. Review status: criteria provided, single submitter. Criteria: Invitae Variant Classification Sherloc (09022015). Collection method: clinical testing. Allele origin: germline.
Comment: This sequence change replaces isoleucine, which is neutral and non-polar, with valine, which is neutral and non-polar, at codon 478 of the PTPN11 protein (p.Ile478Val). This variant is present in population databases (no rsID available, gnomAD 0.0009%). This variant has not been reported in the literature in individuals affected with PTPN11-related conditions. ClinVar contains an entry for this variant (Variation ID: 1955628). Invitae Evidence Modeling of protein sequence and biophysical properties (such as structural, functional, and spatial information, amino acid conservation, physicochemical variation, residue mobility, and thermodynamic stability) has been performed for this missense variant. However, the output from this modeling did not meet the statistical confidence thresholds required to predict the impact of this variant on PTPN11 protein function. In summary, the available evidence is currently insufficient to determine the role of this variant in disease. Therefore, it has been classified as a Variant of Uncertain Significance.

Molecular Diagnostic Laboratory for Inherited Cardiovascular Disease, Montreal Heart Institute
Classification: Uncertain significance for Cardiovascular phenotype. Last evaluated: 2025-04-09. Review status: criteria provided, single submitter. Criteria: ACMG Guidelines, 2015. Collection method: clinical testing. Allele origin: germline. Affected: yes.
Comment: PM2;PP2;BP4

Ambry Genetics
Classification: Uncertain significance for Cardiovascular phenotype. Last evaluated: 2024-12-02. Review status: criteria provided, single submitter. Criteria: Ambry Variant Classification Scheme 2023. Collection method: clinical testing. Allele origin: germline.
Comment: The p.I478V variant (also known as c.1432A>G), located in coding exon 12 of the PTPN11 gene, results from an A to G substitution at nucleotide position 1432. The isoleucine at codon 478 is replaced by valine, an amino acid with highly similar properties. This amino acid position is conserved. In addition, this alteration is predicted to be tolerated by in silico analysis. Based on the available evidence, the clinical significance of this variant remains unclear.

NM_002834.5(PTPN11):c.1432A>G (p.Ile478Val)

Gene: PTPN11 (protein tyrosine phosphatase non-receptor type 11; plus strand). Cytogenetic location: 12q24.13.
Variant type: single nucleotide variant.
Coding change: c.1432A>G on transcript NM_002834.5 (MANE Select); coding-DNA position 1432, A replaced by G.
Protein change: p.Ile478Val; replaces isoleucine 478 with valine.
Molecular consequence: missense variant.
Genome position (GRCh38, 1-based): chr12:112,488,495, A>G. VCF-style: chr12-112488495-A-G. GRCh37 (hg19) VCF-style: chr12-112926299-A-G.
Other names: c.1432A>G (NM_002834.4); c.1444A>G, p.Ile482Val (NM_001330437.2); c.1429A>G, p.Ile477Val (NM_001374625.1); short protein forms I477V, I478V, I482V.
Identifiers: ClinVar variation 1955628 (VCV001955628.7), dbSNP rs1320374464, ClinGen allele CA386778534.